The following is an entry in ClinVar:

NM_001291867.2(NHS):c.1502G>A (p.Arg501His)

Gene: NHS (NHS actin remodeling regulator; plus strand). Cytogenetic location: Xp22.13.
Variant type: single nucleotide variant.
Coding change: c.1502G>A on transcript NM_001291867.2 (MANE Select); coding-DNA position 1502, G replaced by A.
Protein change: p.Arg501His; replaces arginine 501 with histidine.
Molecular consequence: missense variant.
Genome position (GRCh38, 1-based): chrX:17,725,608, G>A. VCF-style: chrX-17725608-G-A. GRCh37 (hg19) VCF-style: chrX-17743728-G-A.
Other names: c.971G>A, p.Arg324His (NM_001136024.4); c.908G>A, p.Arg303His (NM_001291868.2); c.1439G>A, p.Arg480His (NM_198270.4); short protein forms R303H, R501H, R324H, R480H.
Identifiers: ClinVar variation 3019078 (VCV003019078.3), dbSNP rs750950128, ClinGen allele CA10358629.
Genomic context (GRCh38, chrX:17,725,608, plus strand): 5'-GCAACATTTCTGCCCTAGCAGACAAAGGTGACACCATGTTTACTCCTGCAGTGAGCAGCC[G>A]CACAAGATCTCGGAGCCTTCCCCGGGAAGGTAATAGAGGTGGGGATGCTGAGCCCAAAGT-3'
Protein context (NP_001278796.1, residues 491-511): DTMFTPAVSS[Arg501His]TRSRSLPREG

ClinVar aggregate classification (germline): Uncertain significance (1 of 4 stars; one submission).

Conditions:
Nance-Horan syndrome (NHS). Identifiers: Orphanet 627, MedGen C0796085, MONDO:0010545, OMIM 302350.

Allele frequency attached by ClinVar (database versions not stated): TOPMed 0.00001; ExAC 0.00002; gnomAD exomes 0.00003.

Submission:

Labcorp Genetics (formerly Invitae), Labcorp
Classification: Uncertain significance for Nance-Horan syndrome. Last evaluated: 2023-08-30. Review status: criteria provided, single submitter. Criteria: Invitae Variant Classification Sherloc (09022015). Collection method: clinical testing. Allele origin: germline.
Comment: In summary, the available evidence is currently insufficient to determine the role of this variant in disease. Therefore, it has been classified as a Variant of Uncertain Significance. Advanced modeling of protein sequence and biophysical properties (such as structural, functional, and spatial information, amino acid conservation, physicochemical variation, residue mobility, and thermodynamic stability) performed at Invitae indicates that this missense variant is not expected to disrupt NHS protein function. This variant has not been reported in the literature in individuals affected with NHS-related conditions. This variant is present in population databases (rs750950128, gnomAD 0.02%), including at least one homozygous and/or hemizygous individual. This sequence change replaces arginine, which is basic and polar, with histidine, which is basic and polar, at codon 480 of the NHS protein (p.Arg480His).